The following is an entry in ClinVar:

NM_000548.5(TSC2):c.4438T>G (p.Leu1480Val)

Gene: TSC2 (TSC complex subunit 2; plus strand). Cytogenetic location: 16p13.3.
Variant type: single nucleotide variant.
Coding change: c.4438T>G on transcript NM_000548.5 (MANE Select); coding-DNA position 4438, T replaced by G.
Protein change: p.Leu1480Val; replaces leucine 1480 with valine.
Molecular consequence: missense variant. On other transcripts: non-coding transcript variant (5).
Genome position (GRCh38, 1-based): chr16:2,084,660, T>G. VCF-style: chr16-2084660-T-G. GRCh37 (hg19) VCF-style: chr16-2134661-T-G.
Other names: c.4237T>G, p.Leu1413Val (NM_001077183.3); c.4369T>G, p.Leu1457Val (NM_001114382.3); c.4129T>G, p.Leu1377Val (NM_001318827.2); c.4093T>G, p.Leu1365Val (NM_001318829.2); c.3706T>G, p.Leu1236Val (NM_001318831.2); c.4270T>G, p.Leu1424Val (NM_001318832.2); c.4240T>G, p.Leu1414Val (NM_001363528.2); c.4306T>G, p.Leu1436Val (NM_001370404.1); and 26 more; short protein forms L1257V, L1260V, L1364V, L1377V, L1424V, L1454V, L1456V, L1457V.
Identifiers: ClinVar variation 4693559 (VCV004693559.2).

ClinVar aggregate classification (germline): Uncertain significance. Review status: criteria provided, multiple submitters, no conflicts (2 of 4 stars). 2 submissions from 2 submitters: Uncertain significance (2). Last evaluated 2026-07-07.

Conditions:
Tuberous sclerosis 2 (TSC2). Identifiers: Orphanet 805, MedGen C1860707, MONDO:0013199, OMIM 613254.
Hereditary cancer-predisposing syndrome. Also called: Hereditary Cancer Syndrome; Hereditary neoplastic syndrome; Neoplastic Syndromes, Hereditary; Tumor predisposition. Identifiers: Orphanet 140162, MedGen C0027672, MeSH D009386, MONDO:0015356.

gnomAD v4.1: 1 of 1,598,900 alleles (0.000063%); highest among the groups gnomAD compares: Non-Finnish European, 0.000085%; no homozygotes.

Submissions (2):

Ambry Genetics
Classification: Uncertain significance for Hereditary cancer-predisposing syndrome. Last evaluated: 2026-07-07. Review status: criteria provided, single submitter. Criteria: Ambry Variant Classification Scheme 2023. Collection method: clinical testing. Allele origin: germline.
Comment: The p.L1480V variant (also known as c.4438T>G), located in coding exon 33 of the TSC2 gene, results from a T to G substitution at nucleotide position 4438. The leucine at codon 1480 is replaced by valine, an amino acid with highly similar properties. This amino acid position is conserved. In addition, the in silico prediction for this alteration is inconclusive. Based on the available evidence, the clinical significance of this variant remains unclear.

Labcorp Genetics (formerly Invitae), Labcorp
Classification: Uncertain significance for Tuberous sclerosis 2. Last evaluated: 2025-06-10. Review status: criteria provided, single submitter. Criteria: Invitae Variant Classification Sherloc (09022015). Collection method: clinical testing. Allele origin: germline.
Comment: This sequence change replaces leucine, which is neutral and non-polar, with valine, which is neutral and non-polar, at codon 1480 of the TSC2 protein (p.Leu1480Val). This variant is not present in population databases (gnomAD no frequency). This variant has not been reported in the literature in individuals affected with TSC2-related conditions. Invitae Evidence Modeling of protein sequence and biophysical properties (such as structural, functional, and spatial information, amino acid conservation, physicochemical variation, residue mobility, and thermodynamic stability) indicates that this missense variant is not expected to disrupt TSC2 protein function with a negative predictive value of 95%. In summary, the available evidence is currently insufficient to determine the role of this variant in disease. Therefore, it has been classified as a Variant of Uncertain Significance.